The following is an entry in ClinVar:

NM_206933.4(USH2A):c.13775A>G (p.Gln4592Arg)

Gene: USH2A (usherin; minus strand). Cytogenetic location: 1q41.
Variant type: single nucleotide variant.
Coding change: c.13775A>G on transcript NM_206933.4 (MANE Select); coding-DNA position 13775, A replaced by G.
Protein change: p.Gln4592Arg; replaces glutamine 4592 with arginine.
Molecular consequence: missense variant.
Genome position (GRCh38, 1-based): chr1:215,674,136, T>C on the plus strand (A>G on the coding strand, the complement: USH2A is on the minus strand). VCF-style: chr1-215674136-T-C. GRCh37 (hg19) VCF-style: chr1-215847478-T-C.
Other names: short protein forms Q4592R.
Identifiers: ClinVar variation 228204 (VCV000228204.17), dbSNP rs201864716, ClinGen allele CA1393225.

ClinVar aggregate classification (germline): Likely benign. Review status: criteria provided, multiple submitters, no conflicts (2 of 4 stars). 5 submissions from 4 submitters: Likely benign (5). Last evaluated 2025-09-30.

Conditions:
Retinitis pigmentosa 39 (RP39). Identifiers: Orphanet 791, MedGen C3151138, MONDO:0013436, OMIM 613809.
Usher syndrome type 2A. Also called: RETINAL DISEASE IN USHER SYNDROME TYPE IIA, MODIFIER OF; USHER SYNDROME, TYPE IIA. Identifiers: Orphanet 231178, Orphanet 886, MedGen C1848634, MONDO:0010169, OMIM 276901.

Allele frequency attached by ClinVar (database versions not stated): gnomAD 0.00005; TOPMed 0.00011; ExAC 0.00013; gnomAD exomes 0.00016; 1000 Genomes Project 0.00020; 1000 Genomes Project 30x 0.00031.
gnomAD v4.1: 53 of 1,614,164 alleles (0.0033%); highest among the groups gnomAD compares: Admixed American, 0.085%; no homozygotes.

Submissions (5):

Labcorp Genetics (formerly Invitae), Labcorp
Classification: Likely benign. Last evaluated: 2025-09-30. Review status: criteria provided, single submitter. Criteria: Invitae Variant Classification Sherloc (09022015). Collection method: clinical testing. Allele origin: germline.

Genome-Nilou Lab
Classification: Likely benign for Retinitis pigmentosa 39. Last evaluated: 2023-11-04. Review status: criteria provided, single submitter. Criteria: ACMG Guidelines, 2015. Collection method: clinical testing. Allele origin: germline. Affected: no.

Genome-Nilou Lab
Classification: Likely benign for Usher syndrome type 2A. Last evaluated: 2023-11-04. Review status: criteria provided, single submitter. Criteria: ACMG Guidelines, 2015. Collection method: clinical testing. Allele origin: germline. Affected: no.

GeneDx
Classification: Likely benign. Last evaluated: 2021-10-13. Review status: criteria provided, single submitter. Criteria: GeneDx Variant Classification Process June 2021. Collection method: clinical testing. Allele origin: germline. Affected: yes.
Comment: In silico analysis supports that this missense variant does not alter protein structure/function; Has not been previously published as pathogenic or benign to our knowledge

Laboratory for Molecular Medicine, Mass General Brigham Personalized Medicine
Classification: Likely benign. Last evaluated: 2015-11-03. Review status: criteria provided, single submitter. Criteria: LMM Criteria. Collection method: clinical testing. Allele origin: germline. Observed: 1 variant allele.
Comment: p.Gln4592Arg in exon 63 of USH2A: This variant is not expected to have clinical significance due to a lack of conservation across species, including mammals. Of note, over 10 mammals have a Arginine (R) at this position. Additionally, It ha s been identified in 0.14% (16/11566) of Latino chromosomes by the Exome Aggrega tion Consortium (ExAC,, dbSNP rs201864716).